The following is an entry in ClinVar:

ClinVar aggregate classification (germline): Benign/Likely benign. Review status: criteria provided, multiple submitters, no conflicts (2 of 4 stars). 7 submissions from 7 submitters: Benign (4); Likely benign (2). 1 of the submissions does not count toward it. Last evaluated 2026-09-01.

Conditions:
Dystonic disorder. Also called: Dystonia. Identifiers: MedGen C0013421, MONDO:0003441, HP:0001332.
Dystonia 24 (DYT24). Also called: DYT-ANO3. Identifiers: Orphanet 420485, MedGen C3554374, MONDO:0014019, OMIM 615034.

Allele frequency attached by ClinVar (database versions not stated): 1000 Genomes Project 30x 0.00219; 1000 Genomes Project 0.00260; TOPMed 0.00486; gnomAD 0.00572 and 0.00597; ESP Exome Variant Server 0.00584.
gnomAD v4.1: 12,697 of 1,611,710 alleles (0.79%); highest among the groups gnomAD compares: Non-Finnish European, 0.88%; 90 homozygotes.

Submissions (7):

CeGaT Center for Human Genetics Tuebingen
Classification: Benign. Last evaluated: 2026-09-01. Review status: criteria provided, single submitter. Criteria: CeGaT Center For Human Genetics Tuebingen Variant Classification Criteria Version 2. Collection method: clinical testing. Allele origin: germline. Affected: yes. Observed: 15 variant alleles.
Comment: ANO3: BP4, BP7, BS1, BS2

Labcorp Genetics (formerly Invitae), Labcorp
Classification: Benign for Dystonic disorder. Last evaluated: 2026-01-26. Review status: criteria provided, single submitter. Criteria: Invitae Variant Classification Sherloc (09022015). Collection method: clinical testing. Allele origin: germline.

Mayo Clinic Laboratories, Mayo Clinic
Classification: Benign. Last evaluated: 2023-10-09. Review status: criteria provided, single submitter. Criteria: ACMG Guidelines, 2015. Collection method: clinical testing. Allele origin: germline. Observed: 6 variant alleles.
Comment: BS1, BS2, BP4, BP7

Genome-Nilou Lab
Classification: Benign for Dystonia 24. Last evaluated: 2021-12-05. Review status: criteria provided, single submitter. Criteria: ACMG Guidelines, 2015. Collection method: clinical testing. Allele origin: germline. Affected: no.

GeneDx
Classification: Likely benign. Last evaluated: 2021-02-01. Review status: criteria provided, single submitter. Criteria: GeneDx Variant Classification Process June 2021. Collection method: clinical testing. Allele origin: germline. Affected: yes.

Clinical Genetics DNA and cytogenetics Diagnostics Lab, Erasmus MC, Erasmus Medical Center
Classification: Likely benign for Dystonia 24. Last evaluated: 2017-06-28. Review status: criteria provided, single submitter. Criteria: ACGS Guidelines, 2013. Collection method: clinical testing. Allele origin: germline. Affected: yes. Study: VKGL Data-share Consensus.

Diagnostic Laboratory, Department of Genetics, University Medical Center Groningen
Classification: Likely benign for Dystonia 24. Review status: no assertion criteria provided. Collection method: clinical testing. Allele origin: germline. Affected: yes. Study: VKGL Data-share Consensus. Not counted in ClinVar's aggregate classification.

NM_031418.4(ANO3):c.1968C>T (p.Ile656=)

Gene: ANO3 (anoctamin 3; plus strand). Cytogenetic location: 11p14.2.
Variant type: single nucleotide variant.
Coding change: c.1968C>T on transcript NM_031418.4 (MANE Select); coding-DNA position 1968, C replaced by T.
Protein change: p.Ile656=; no amino-acid change (isoleucine 656 retained).
Molecular consequence: synonymous variant.
Genome position (GRCh38, 1-based): chr11:26,634,298, C>T. VCF-style: chr11-26634298-C-T. GRCh37 (hg19) VCF-style: chr11-26655845-C-T.
Other names: p.Ile656=; c.2151C>T, p.Ile717= (NM_001313726.2); c.1530C>T, p.Ile510= (NM_001313727.2).
Identifiers: ClinVar variation 241616 (VCV000241616.45), dbSNP rs149050831, ClinGen allele CA5926371.